The following is an entry in ClinVar:

NM_014679.5(CEP57):c.905C>A (p.Ala302Asp)

Gene: CEP57 (centrosomal protein 57; plus strand). Cytogenetic location: 11q21.
Variant type: single nucleotide variant.
Coding change: c.905C>A on transcript NM_014679.5 (MANE Select); coding-DNA position 905, C replaced by A.
Protein change: p.Ala302Asp; replaces alanine 302 with aspartic acid.
Molecular consequence: missense variant.
Genome position (GRCh38, 1-based): chr11:95,827,805, C>A. VCF-style: chr11-95827805-C-A. GRCh37 (hg19) VCF-style: chr11-95560969-C-A.
Other names: c.878C>A, p.Ala293Asp (NM_001243776.2); c.827C>A, p.Ala276Asp (NM_001243777.2); c.824C>A, p.Ala275Asp (NM_001363604.2); short protein forms A276D, A293D, A275D, A302D.
Identifiers: ClinVar variation 2100608 (VCV002100608.4), dbSNP rs2496324527, ClinGen allele CA382407462.

ClinVar aggregate classification (germline): Uncertain significance (1 of 4 stars; one submission).

Conditions:
Mosaic variegated aneuploidy syndrome 2 (MVA2). Identifiers: Orphanet 1052, MedGen C3279843, MONDO:0013582, OMIM 614114.

Submission:

Labcorp Genetics (formerly Invitae), Labcorp
Classification: Uncertain significance for Mosaic variegated aneuploidy syndrome 2. Last evaluated: 2022-02-20. Review status: criteria provided, single submitter. Criteria: Invitae Variant Classification Sherloc (09022015). Collection method: clinical testing. Allele origin: germline.
Comment: This sequence change replaces alanine, which is neutral and non-polar, with aspartic acid, which is acidic and polar, at codon 302 of the CEP57 protein (p.Ala302Asp). This variant is not present in population databases (gnomAD no frequency). In summary, the available evidence is currently insufficient to determine the role of this variant in disease. Therefore, it has been classified as a Variant of Uncertain Significance. Algorithms developed to predict the effect of missense changes on protein structure and function are either unavailable or do not agree on the potential impact of this missense change (SIFT: "Deleterious"; PolyPhen-2: "Probably Damaging"; Align-GVGD: "Class C0"). This variant has not been reported in the literature in individuals affected with CEP57-related conditions.